The following is an entry in ClinVar:

NM_002016.2(FLG):c.3609G>T (p.Arg1203Ser)

Genes: CCDST (cervical cancer associated DHX9 suppressive transcript; plus strand), FLG (filaggrin; minus strand). Cytogenetic location: 1q21.3.
Variant type: single nucleotide variant.
Coding change: c.3609G>T on transcript NM_002016.2 (MANE Select); coding-DNA position 3609, G replaced by T.
Protein change: p.Arg1203Ser; replaces arginine 1203 with serine.
Molecular consequence: missense variant.
Genome position (GRCh38, 1-based): chr1:152,311,277, C>A on the plus strand (G>T on the coding strand, the complement: FLG is on the minus strand). VCF-style: chr1-152311277-C-A. GRCh37 (hg19) VCF-style: chr1-152283753-C-A.
Other names: short protein forms R1203S.
Identifiers: ClinVar variation 1205945 (VCV001205945.28), dbSNP rs141677205, ClinGen allele CA1106603.

ClinVar aggregate classification (germline): Likely benign. Review status: criteria provided, single submitter (1 of 4 stars). 4 submissions from 4 submitters: Likely benign (1). 3 of the submissions do not count toward it. Last evaluated 2026-06-01.

Allele frequency attached by ClinVar (database versions not stated): 1000 Genomes Project 0.00180; 1000 Genomes Project 30x 0.00187; gnomAD 0.00291 and 0.00294; ESP Exome Variant Server 0.00431.
gnomAD v4.1: 6,611 of 1,613,878 alleles (0.41%); highest among the groups gnomAD compares: Non-Finnish European, 0.51%; 22 homozygotes.

Submissions (4):

CeGaT Center for Human Genetics Tuebingen
Classification: Likely benign. Last evaluated: 2026-06-01. Review status: criteria provided, single submitter. Criteria: CeGaT Center For Human Genetics Tuebingen Variant Classification Criteria Version 2. Collection method: clinical testing. Allele origin: germline. Affected: yes. Observed: 5 variant alleles.
Comment: FLG: BP4, BS2

Clinical Genetics DNA and cytogenetics Diagnostics Lab, Erasmus MC, Erasmus Medical Center
Classification: Likely benign. Review status: no assertion criteria provided. Collection method: clinical testing. Allele origin: germline. Affected: yes. Study: VKGL Data-share Consensus. Not counted in ClinVar's aggregate classification.

Joint Genome Diagnostic Labs from Nijmegen and Maastricht, Radboudumc and MUMC+
Classification: Likely benign. Review status: no assertion criteria provided. Collection method: clinical testing. Allele origin: germline. Affected: yes. Study: VKGL Data-share Consensus. Not counted in ClinVar's aggregate classification.

Laboratory of Diagnostic Genome Analysis, Leiden University Medical Center (LUMC)
Classification: Likely benign. Review status: no assertion criteria provided. Collection method: clinical testing. Allele origin: germline. Affected: yes. Study: VKGL Data-share Consensus. Not counted in ClinVar's aggregate classification.